The following is an entry in ClinVar:

NM_001040436.3(YARS2):c.342C>T (p.Gly114=)

Gene: YARS2 (tyrosyl-tRNA synthetase 2; minus strand). Cytogenetic location: 12p11.21.
Variant type: single nucleotide variant.
Coding change: c.342C>T on transcript NM_001040436.3 (MANE Select); coding-DNA position 342, C replaced by T.
Protein change: p.Gly114=; no amino-acid change (glycine 114 retained).
Molecular consequence: synonymous variant.
Genome position (GRCh38, 1-based): chr12:32,755,533, G>A on the plus strand (C>T on the coding strand, the complement: YARS2 is on the minus strand). VCF-style: chr12-32755533-G-A. GRCh37 (hg19) VCF-style: chr12-32908467-G-A.
Other names: p.G114G:GGC>GGT.
Identifiers: ClinVar variation 137938 (VCV000137938.23), dbSNP rs115606831, ClinGen allele CA291658.
Genomic context (GRCh38, chr12:32,755,533, plus strand): 5'-TGTCTCCAGCGCCTCGCGTTCCTTGGTACGGCCGCTCGGGTCTCCCAGGCGCGCCGTGGC[G>A]CCTCCCACCAGCGCGATCACGTTGTGGCCCGCTCGCTGCAAATGAAACAGGCCCAGCAGC-3'
Protein context (NP_001035526.1, residues 104-124): AGHNVIALVG[Gly114=]ATARLGDPSG

ClinVar aggregate classification (germline): Benign/Likely benign. Review status: criteria provided, multiple submitters, no conflicts (2 of 4 stars). 6 submissions from 6 submitters: Benign (3); Likely benign (2). 1 of the submissions does not count toward it. Last evaluated 2026-05-01.

Conditions:
YARS2-related disorder. Also called: YARS2-related condition.
Myopathy, lactic acidosis, and sideroblastic anemia 2 (MLASA2). Identifiers: Orphanet 2598, MedGen C3150802, MONDO:0013307, OMIM 613561.

Allele frequency attached by ClinVar (database versions not stated): gnomAD exomes 0.00033 and 0.00098; ExAC 0.00116; ESP Exome Variant Server 0.00269; 1000 Genomes Project 30x 0.00328; 1000 Genomes Project 0.00339; gnomAD 0.00348 and 0.00371.
gnomAD v4.1: 1,033 of 1,613,260 alleles (0.064%); highest among the groups gnomAD compares: African/African-American, 1.1%; 7 homozygotes.

Submissions (6):

CeGaT Center for Human Genetics Tuebingen
Classification: Likely benign. Last evaluated: 2026-05-01. Review status: criteria provided, single submitter. Criteria: CeGaT Center For Human Genetics Tuebingen Variant Classification Criteria Version 2. Collection method: clinical testing. Allele origin: germline. Affected: yes. Observed: 2 variant alleles.
Comment: YARS2: BP4, BP7, BS1

Labcorp Genetics (formerly Invitae), Labcorp
Classification: Benign. Last evaluated: 2026-02-01. Review status: criteria provided, single submitter. Criteria: Invitae Variant Classification Sherloc (09022015). Collection method: clinical testing. Allele origin: germline.

Blueprint Genetics
Classification: Likely benign. Last evaluated: 2024-11-06. Review status: criteria provided, single submitter. Criteria: ACMG Guidelines, 2015. Collection method: clinical testing. Allele origin: germline.

Genome-Nilou Lab
Classification: Benign for Myopathy, lactic acidosis, and sideroblastic anemia 2. Last evaluated: 2021-12-05. Review status: criteria provided, single submitter. Criteria: ACMG Guidelines, 2015. Collection method: clinical testing. Allele origin: germline. Affected: no.

GeneDx
Classification: Benign. Last evaluated: 2012-11-28. Review status: criteria provided, single submitter. Criteria: GeneDx Variant Classification (06012015). Collection method: clinical testing. Allele origin: germline. Affected: yes.
Comment: This variant is considered likely benign or benign based on one or more of the following criteria: it is a conservative change, it occurs at a poorly conserved position in the protein, it is predicted to be benign by multiple in silico algorithms, and/or has population frequency not consistent with disease.

PreventionGenetics, part of Exact Sciences
Classification: Benign for YARS2-related condition. Last evaluated: 2019-06-11. Review status: no assertion criteria provided. Collection method: clinical testing. Allele origin: germline. Not counted in ClinVar's aggregate classification.
Comment: This variant is classified as benign based on ACMG/AMP sequence variant interpretation guidelines (Richards et al. 2015 PMID: 25741868, with internal and published modifications).